The following is an entry in ClinVar:

NM_000074.3(CD40LG):c.676G>A (p.Gly226Arg)

Gene: CD40LG (CD40 ligand; plus strand). Cytogenetic location: Xq26.3.
Variant type: single nucleotide variant.
Coding change: c.676G>A on transcript NM_000074.3 (MANE Select); coding-DNA position 676, G replaced by A.
Protein change: p.Gly226Arg; replaces glycine 226 with arginine.
Molecular consequence: missense variant.
Genome position (GRCh38, 1-based): chrX:136,659,305, G>A. VCF-style: chrX-136659305-G-A. GRCh37 (hg19) VCF-style: chrX-135741464-G-A.
Other names: short protein forms G226R.
Identifiers: ClinVar variation 636364 (VCV000636364.7), dbSNP rs1603321840, ClinGen allele CA414756458.

ClinVar aggregate classification (germline): Uncertain significance (1 of 4 stars; one submission).

Conditions:
Hyper-IgM syndrome type 1. Also called: Hyper-IgM Immunodeficiency Syndrome, Type 1; CD40 Ligand Deficiency; X-linked hyper-IgM syndrome; Immunodeficiency, X-linked, with hyper-IgM. Identifiers: Orphanet 101088, MedGen C0398689, MONDO:0010626, OMIM 308230.

Submission:

Labcorp Genetics (formerly Invitae), Labcorp
Classification: Uncertain significance for Hyper-IgM syndrome type 1. Last evaluated: 2021-10-15. Review status: criteria provided, single submitter. Criteria: Invitae Variant Classification Sherloc (09022015). Collection method: clinical testing. Allele origin: germline.
Comment: In summary, the available evidence is currently insufficient to determine the role of this variant in disease. Therefore, it has been classified as a Variant of Uncertain Significance. Advanced modeling of protein sequence and biophysical properties (such as structural, functional, and spatial information, amino acid conservation, physicochemical variation, residue mobility, and thermodynamic stability) performed at Invitae indicates that this missense variant is expected to disrupt CD40LG protein function. ClinVar contains an entry for this variant (Variation ID: 636364). This variant has not been reported in the literature in individuals affected with CD40LG-related conditions. This variant is not present in population databases (ExAC no frequency). This sequence change replaces glycine with arginine at codon 226 of the CD40LG protein (p.Gly226Arg). The glycine residue is highly conserved and there is a moderate physicochemical difference between glycine and arginine.